The following is an entry in ClinVar:

ClinVar aggregate classification (germline): Pathogenic (1 of 4 stars; one submission).

Conditions:
Familial adenomatous polyposis 1 (FAP1). Also called: POLYPOSIS, ADENOMATOUS INTESTINAL; FAMILIAL ADENOMATOUS POLYPOSIS 1, ATTENUATED. Identifiers: MedGen C2713442, MONDO:0021056, OMIM 175100. Disease mechanism: loss of function.

Submission:

Myriad Genetics, Inc.
Classification: Pathogenic for Familial adenomatous polyposis 1. Last evaluated: 2023-05-16. Review status: criteria provided, single submitter. Criteria: Myriad Autosomal Dominant, Autosomal Recessive and X-Linked Classification Criteria (2023). Collection method: clinical testing. Allele origin: unknown.
Comment: This variant is considered pathogenic. This variant creates a termination codon and is predicted to result in premature protein truncation.

NM_000038.6(APC):c.7733C>G (p.Ser2578Ter)

Gene: APC (APC regulator of Wnt signaling pathway; plus strand). Cytogenetic location: 5q22.2.
Variant type: single nucleotide variant.
Coding change: c.7733C>G on transcript NM_000038.6 (MANE Select); coding-DNA position 7733, C replaced by G.
Protein change: p.Ser2578Ter; replaces serine 2578 with a stop codon.
Molecular consequence: nonsense. On other transcripts: non-coding transcript variant (2).
Genome position (GRCh38, 1-based): chr5:112,843,327, C>G. VCF-style: chr5-112843327-C-G. GRCh37 (hg19) VCF-style: chr5-112179024-C-G.
Other names: c.7733C>G, p.Ser2578Ter (NM_001127510.3, NM_001354895.2, NM_001407450.1); c.7679C>G, p.Ser2560Ter (NM_001127511.3); c.7787C>G, p.Ser2596Ter (NM_001354896.2, NM_001407447.1, NM_001407448.1 and 1 more transcripts); c.7763C>G, p.Ser2588Ter (NM_001354897.2); c.7658C>G, p.Ser2553Ter (NM_001354898.2); c.7649C>G, p.Ser2550Ter (NM_001354899.2); c.7610C>G, p.Ser2537Ter (NM_001354900.2); c.7556C>G, p.Ser2519Ter (NM_001354901.2, NM_001407453.1); and 11 more; short protein forms S2194*, S2295*, S2418*, S2449*, S2452*, S2477*, S2487*, S2495*.
Identifiers: ClinVar variation 2583489 (VCV002583489.1), dbSNP rs2149992847, ClinGen allele CA16038124.